The following is an entry in ClinVar:

ClinVar aggregate classification (germline): Benign. Review status: criteria provided, multiple submitters, no conflicts (2 of 4 stars). 2 submissions from 2 submitters: Benign (2). Last evaluated 2026-01-29.

Submissions (22):

Labcorp Genetics (formerly Invitae), Labcorp
Classification: Benign. Last evaluated: 2026-01-29. Review status: criteria provided, single submitter. Criteria: Invitae Variant Classification Sherloc (09022015). Collection method: clinical testing. Allele origin: germline.

GeneDx
Classification: Benign. Last evaluated: 2017-04-17. Review status: criteria provided, single submitter. Criteria: GeneDx Variant Classification (06012015). Collection method: clinical testing. Allele origin: germline. Affected: yes.
Comment: This variant is considered likely benign or benign based on one or more of the following criteria: it is a conservative change, it occurs at a poorly conserved position in the protein, it is predicted to be benign by multiple in silico algorithms, and/or has population frequency not consistent with disease.

Dr. Peter K. Rogan Lab, Western University
No classification provided (evidence only). Condition: Colon adenocarcinoma. Review status: no classification provided. Collection method: in vitro. Allele origin: not applicable. Functional consequence: retained intron. Not counted in ClinVar's aggregate classification.

Dr. Peter K. Rogan Lab, Western University
No classification provided (evidence only). Condition: Clear cell carcinoma of kidney. Review status: no classification provided. Collection method: in vitro. Allele origin: not applicable. Functional consequence: retained intron. Not counted in ClinVar's aggregate classification.

Dr. Peter K. Rogan Lab, Western University
No classification provided (evidence only). Condition: Lung cancer. Review status: no classification provided. Collection method: in vitro. Allele origin: not applicable. Functional consequence: retained intron. Not counted in ClinVar's aggregate classification.

Dr. Peter K. Rogan Lab, Western University
No classification provided (evidence only). Condition: Chronic lymphocytic leukemia/small lymphocytic lymphoma. Review status: no classification provided. Collection method: in vitro. Allele origin: not applicable. Functional consequence: retained intron. Not counted in ClinVar's aggregate classification.

Dr. Peter K. Rogan Lab, Western University
No classification provided (evidence only). Condition: Chronic lymphocytic leukemia/small lymphocytic lymphoma. Review status: no classification provided. Collection method: in vitro. Allele origin: not applicable. Functional consequence: retained intron. Not counted in ClinVar's aggregate classification.

Dr. Peter K. Rogan Lab, Western University
No classification provided (evidence only). Condition: Nonpapillary renal cell carcinoma. Review status: no classification provided. Collection method: in vitro. Allele origin: not applicable. Functional consequence: retained intron. Not counted in ClinVar's aggregate classification.

Dr. Peter K. Rogan Lab, Western University
No classification provided (evidence only). Condition: Nonpapillary renal cell carcinoma. Review status: no classification provided. Collection method: in vitro. Allele origin: not applicable. Functional consequence: retained intron. Not counted in ClinVar's aggregate classification.

Dr. Peter K. Rogan Lab, Western University
No classification provided (evidence only). Condition: Nonpapillary renal cell carcinoma. Review status: no classification provided. Collection method: in vitro. Allele origin: not applicable. Functional consequence: retained intron. Not counted in ClinVar's aggregate classification.

Dr. Peter K. Rogan Lab, Western University
No classification provided (evidence only). Condition: Nonpapillary renal cell carcinoma. Review status: no classification provided. Collection method: in vitro. Allele origin: not applicable. Functional consequence: retained intron. Not counted in ClinVar's aggregate classification.

Dr. Peter K. Rogan Lab, Western University
No classification provided (evidence only). Condition: Nonpapillary renal cell carcinoma. Review status: no classification provided. Collection method: in vitro. Allele origin: not applicable. Functional consequence: retained intron. Not counted in ClinVar's aggregate classification.

Dr. Peter K. Rogan Lab, Western University
No classification provided (evidence only). Condition: Nonpapillary renal cell carcinoma. Review status: no classification provided. Collection method: in vitro. Allele origin: not applicable. Functional consequence: retained intron. Not counted in ClinVar's aggregate classification.

Dr. Peter K. Rogan Lab, Western University
No classification provided (evidence only). Condition: Familial pancreatic carcinoma. Review status: no classification provided. Collection method: in vitro. Allele origin: not applicable. Functional consequence: retained intron. Not counted in ClinVar's aggregate classification.

Dr. Peter K. Rogan Lab, Western University
No classification provided (evidence only). Condition: Familial pancreatic carcinoma. Review status: no classification provided. Collection method: in vitro. Allele origin: not applicable. Functional consequence: retained intron. Not counted in ClinVar's aggregate classification.

Dr. Peter K. Rogan Lab, Western University
No classification provided (evidence only). Condition: Familial pancreatic carcinoma. Review status: no classification provided. Collection method: in vitro. Allele origin: not applicable. Functional consequence: retained intron. Not counted in ClinVar's aggregate classification.

Dr. Peter K. Rogan Lab, Western University
No classification provided (evidence only). Condition: Familial pancreatic carcinoma. Review status: no classification provided. Collection method: in vitro. Allele origin: not applicable. Functional consequence: retained intron. Not counted in ClinVar's aggregate classification.

Dr. Peter K. Rogan Lab, Western University
No classification provided (evidence only). Condition: Familial pancreatic carcinoma. Review status: no classification provided. Collection method: in vitro. Allele origin: not applicable. Functional consequence: retained intron. Not counted in ClinVar's aggregate classification.

Dr. Peter K. Rogan Lab, Western University
No classification provided (evidence only). Condition: Ovarian cancer. Review status: no classification provided. Collection method: in vitro. Allele origin: not applicable. Functional consequence: retained intron. Not counted in ClinVar's aggregate classification.

Dr. Peter K. Rogan Lab, Western University
No classification provided (evidence only). Condition: Ovarian cancer. Review status: no classification provided. Collection method: in vitro. Allele origin: not applicable. Functional consequence: retained intron. Not counted in ClinVar's aggregate classification.

Dr. Peter K. Rogan Lab, Western University
No classification provided (evidence only). Condition: Ovarian cancer. Review status: no classification provided. Collection method: in vitro. Allele origin: not applicable. Functional consequence: retained intron. Not counted in ClinVar's aggregate classification.

Dr. Peter K. Rogan Lab, Western University
No classification provided (evidence only). Condition: Ovarian cancer. Review status: no classification provided. Collection method: in vitro. Allele origin: not applicable. Functional consequence: retained intron. Not counted in ClinVar's aggregate classification.

NM_002291.3(LAMB1):c.5225-6_5225-5del

Gene: LAMB1 (laminin subunit beta 1; minus strand). Cytogenetic location: 7q31.1.
Variant type: Deletion.
Coding change: c.5225-6_5225-5del on transcript NM_002291.3 (MANE Select); 6 bases into the intron before coding-DNA position 5225 through 5 bases into the intron before coding-DNA position 5225, 2 bases deleted (CC; older notation c.5225-6_5225-5delCC).
Molecular consequence: intron variant.
Genome position (GRCh38, 1-based): chr7:107,924,092-107,924,093, GG deleted on the plus strand (CC on the coding strand, the reverse complement: LAMB1 is on the minus strand); deleting any 2 consecutive bases within chr7:107,924,092-107,924,095 gives the same sequence; the c. name uses the placement nearest the transcript's 3' end. VCF-style (leftmost placement, unchanged base first): chr7-107924091-TGG-T. GRCh37 (hg19) VCF-style: chr7-107564536-TGG-T.
Other names: NC_000007.13:g.107564539_107564540del; c.5225-8_5225-7del (NM_002291.3); c.5225-6_5225-5delCC (NM_002291.2).
Identifiers: ClinVar variation 506354 (VCV000506354.9), dbSNP rs79073119, ClinGen allele CA4434789.